The following is an entry in ClinVar:

ClinVar aggregate classification (germline): Likely benign (1 of 4 stars; one submission).

Submission:

CeGaT Center for Human Genetics Tuebingen
Classification: Likely benign. Last evaluated: 2024-07-01. Review status: criteria provided, single submitter. Criteria: CeGaT Center For Human Genetics Tuebingen Variant Classification Criteria Version 2. Collection method: clinical testing. Allele origin: germline. Affected: yes. Observed: 1 variant allele.
Comment: MTOR: PM2:Supporting, BP4, BP7

NM_004958.4(MTOR):c.6423A>G (p.Pro2141=)

Gene: MTOR (mechanistic target of rapamycin kinase; minus strand). Cytogenetic location: 1p36.22.
Variant type: single nucleotide variant.
Coding change: c.6423A>G on transcript NM_004958.4 (MANE Select); coding-DNA position 6423, A replaced by G.
Protein change: p.Pro2141=; no amino-acid change (proline 2141 retained).
Molecular consequence: synonymous variant.
Genome position (GRCh38, 1-based): chr1:11,126,725, T>C on the plus strand (A>G on the coding strand, the complement: MTOR is on the minus strand). VCF-style: chr1-11126725-T-C. GRCh37 (hg19) VCF-style: chr1-11186782-T-C.
Other names: c.6423A>G, p.Pro2141= (NM_001386500.1); c.5175A>G, p.Pro1725= (NM_001386501.1).
Identifiers: ClinVar variation 3250675 (VCV003250675.18), dbSNP rs2522263795.